The following is an entry in ClinVar:

NM_001267550.2(TTN):c.30325A>C (p.Thr10109Pro)

Gene: TTN (titin; minus strand). Cytogenetic location: 2q31.2.
Variant type: single nucleotide variant.
Coding change: c.30325A>C on transcript NM_001267550.2 (MANE Select); coding-DNA position 30325, A replaced by C.
Protein change: p.Thr10109Pro; replaces threonine 10109 with proline.
Molecular consequence: missense variant. On other transcripts: intron variant (3).
Genome position (GRCh38, 1-based): chr2:178,702,562, T>G on the plus strand (A>C on the coding strand, the complement: TTN is on the minus strand). VCF-style: chr2-178702562-T-G. GRCh37 (hg19) VCF-style: chr2-179567289-T-G.
Other names: c.29374A>C, p.Thr9792Pro (NM_001256850.1); c.26593A>C, p.Thr8865Pro (NM_133378.4); c.13282+35520A>C (NM_003319.4); c.13858+35520A>C (NM_133437.4); c.13657+35520A>C (NM_133432.3); short protein forms T10109P, T8865P, T9792P.
Identifiers: ClinVar variation 1059576 (VCV001059576.7), dbSNP rs2075197256, ClinGen allele CA349571538.

ClinVar aggregate classification (germline): Uncertain significance (1 of 4 stars; one submission).

Conditions:
Autosomal recessive limb-girdle muscular dystrophy type 2J (LGMDR10). Also called: MUSCULAR DYSTROPHY, LIMB-GIRDLE, AUTOSOMAL RECESSIVE 10; Limb-girdle muscular dystrophy, type 2J. Identifiers: Orphanet 140922, MedGen C1837342, MONDO:0012127, OMIM 608807.
Dilated cardiomyopathy 1G (CMD1G). Identifiers: Orphanet 154, MedGen C1858763, MONDO:0011400, OMIM 604145.

Submission:

Labcorp Genetics (formerly Invitae), Labcorp
Classification: Uncertain significance for Dilated cardiomyopathy 1G; Autosomal recessive limb-girdle muscular dystrophy type 2J. Last evaluated: 2020-09-09. Review status: criteria provided, single submitter. Criteria: Invitae Variant Classification Sherloc (09022015). Collection method: clinical testing. Allele origin: germline.
Comment: This sequence change replaces threonine with proline at codon 10109 of the TTN protein (p.Thr10109Pro). There is a small physicochemical difference between threonine and proline. This variant is not present in population databases (ExAC no frequency). This variant has not been reported in the literature in individuals with TTN-related conditions. This variant is located in the I band of TTN (PMID: 25589632). Variants in this region may be relevant for neuromuscular disorders, but have not been definitively shown to cause cardiomyopathy (PMID: 23975875). In summary, the available evidence is currently insufficient to determine the role of this variant in disease. Therefore, it has been classified as a Variant of Uncertain Significance. Algorithms developed to predict the effect of missense changes on protein structure and function are unavailable for the TTN gene.

Literature cited by the submitters: PubMed 25589632; PubMed 23975875.